The following is an entry in ClinVar:

NM_006734.4(HIVEP2):c.6048G>T (p.Leu2016Phe)

Gene: HIVEP2 (HIVEP zinc finger 2; minus strand). Cytogenetic location: 6q24.2.
Variant type: single nucleotide variant.
Coding change: c.6048G>T on transcript NM_006734.4 (MANE Select); coding-DNA position 6048, G replaced by T.
Protein change: p.Leu2016Phe; replaces leucine 2016 with phenylalanine.
Molecular consequence: missense variant.
Genome position (GRCh38, 1-based): chr6:142,760,240, C>A on the plus strand (G>T on the coding strand, the complement: HIVEP2 is on the minus strand). VCF-style: chr6-142760240-C-A. GRCh37 (hg19) VCF-style: chr6-143081377-C-A.
Other names: short protein forms L2016F.
Identifiers: ClinVar variation 3655692 (VCV003655692.2).
Genomic context (GRCh38, chr6:142,760,240, plus strand): 5'-GGGAGAGGAGCTTGGCTCTGAAGGTAGCATGCACTCCTCATCCATACAACTAGGTATGTC[C>A]AATCTGTCTTTGTCTGGTTCTGAGTCCGTACTTTTGCTCTGGAATAGCCTCTGGTATTCT-3'
Protein context (NP_006725.3, residues 2006-2026): STDSEPDKDR[Leu2016Phe]DIPSCMDEEC

ClinVar aggregate classification (germline): Uncertain significance (1 of 4 stars; one submission).

Submission:

Labcorp Genetics (formerly Invitae), Labcorp
Classification: Uncertain significance. Last evaluated: 2024-06-05. Review status: criteria provided, single submitter. Criteria: Invitae Variant Classification Sherloc (09022015). Collection method: clinical testing. Allele origin: germline.
Comment: This sequence change replaces leucine, which is neutral and non-polar, with phenylalanine, which is neutral and non-polar, at codon 2016 of the HIVEP2 protein (p.Leu2016Phe). This variant is not present in population databases (gnomAD no frequency). This variant has not been reported in the literature in individuals affected with HIVEP2-related conditions. Advanced modeling of protein sequence and biophysical properties (such as structural, functional, and spatial information, amino acid conservation, physicochemical variation, residue mobility, and thermodynamic stability) performed at Invitae indicates that this missense variant is not expected to disrupt HIVEP2 protein function with a negative predictive value of 80%. In summary, the available evidence is currently insufficient to determine the role of this variant in disease. Therefore, it has been classified as a Variant of Uncertain Significance.